The following is an entry in ClinVar:

ClinVar aggregate classification (germline): Uncertain significance. Review status: criteria provided, multiple submitters, no conflicts (2 of 4 stars). 4 submissions from 4 submitters: Uncertain significance (3). 1 of the submissions does not count toward it. Last evaluated 2025-11-07.

Conditions:
Glycine encephalopathy 1 (GCE1). Identifiers: MedGen CN376801, MONDO:0958179, OMIM 605899.
AMT-related disorder. Also called: AMT-related condition.

Allele frequency attached by ClinVar (database versions not stated): gnomAD 0.00001.
gnomAD v4.1: 1 of 1,513,048 alleles (0.000066%); highest among the groups gnomAD compares: Admixed American, 0.0018%; no homozygotes.

Submissions (4):

Women's Health and Genetics/Laboratory Corporation of America, LabCorp
Classification: Uncertain significance. Last evaluated: 2025-11-07. Review status: criteria provided, single submitter. Criteria: LabCorp Variant Classification Summary - May 2015. Collection method: clinical testing. Allele origin: germline.
Comment: Variant summary: AMT c.-66A>G is located in the untranscribed region upstream of the AMT gene region. The variant was absent in 192234 control chromosomes. The available data on variant occurrences in the general population are insufficient to allow any conclusion about variant significance. c.-66A>G has been observed in individual(s) affected with Glycine Encephalopathy (Non-Ketotic Hyperglycinemia) (Coughlin_2017) without evidence for causality. These report(s) do not provide unequivocal conclusions about association of the variant with Glycine Encephalopathy (Non-Ketotic Hyperglycinemia). To our knowledge, no experimental evidence demonstrating an impact on protein function has been reported. The following publication have been ascertained in the context of this evaluation (PMID: 27362913). ClinVar contains an entry for this variant (Variation ID: 556243). Based on the evidence outlined above, the variant was classified as uncertain significance.

PreventionGenetics, part of Exact Sciences
Classification: Uncertain significance for AMT-related condition. Last evaluated: 2025-03-15. Review status: criteria provided, single submitter. Criteria: ACMG Guidelines, 2015. Collection method: clinical testing. Allele origin: germline.
Comment: The AMT c.-66A>G variant is located in the 5' untranslated region. This variant was reported in an individual with nonketotic hyperglycinemia; however, zygosity information was not provided (Coughlin et al. 2017. PubMed ID: 27362913). Coughlin et al also found three other rare disease-associated variants within a 10-nucleotide span containing this variant and suggested that this may constitute a required regulatory element. This variant has not been reported in a large population database (gnomAD), indicating it is rare. At this time, the clinical significance of this variant is uncertain due to the absence of conclusive functional and genetic evidence.

Blueprint Genetics
Classification: Uncertain significance. Last evaluated: 2019-05-02. Review status: criteria provided, single submitter. Criteria: ACMG Guidelines, 2015. Collection method: clinical testing. Allele origin: germline.

Counsyl
Classification: Uncertain significance for Glycine encephalopathy 1. Last evaluated: 2018-01-22. Review status: no assertion criteria provided. Collection method: clinical testing. Allele origin: unknown. Not counted in ClinVar's aggregate classification.

Literature cited by the submitters: PubMed 27362913 (cited by Women's Health and Genetics/Laboratory Corporation of America, LabCorp and Counsyl).

NM_000481.4(AMT):c.-66A>G

Genes: AMT (aminomethyltransferase; minus strand), NICN1 (nicolin 1, tubulin polyglutamylase complex subunit; minus strand). Cytogenetic location: 3p21.31.
Variant type: single nucleotide variant.
Coding change: c.-66A>G on transcript NM_000481.4 (MANE Select); 66 bases upstream of the start codon, A replaced by G.
Molecular consequence: 3 prime UTR variant (on NM_032316.3).
Genome position (GRCh38, 1-based): chr3:49,422,516, T>C on the plus strand (A>G on the coding strand, the complement: AMT is on the minus strand). VCF-style: chr3-49422516-T-C. GRCh37 (hg19) VCF-style: chr3-49459949-T-C.
Other names: c.*2317A>G (NM_032316.3).
Identifiers: ClinVar variation 556243 (VCV000556243.7), dbSNP rs1553638927, ClinGen allele CA658823342.